The following is an entry in ClinVar:

ClinVar aggregate classification (germline): Uncertain significance (1 of 4 stars; one submission).

Conditions:
Hereditary sensory and autonomic neuropathy type 7. Also called: Neuropathy, hereditary sensory and autonomic, type VII; HSAN VII. Identifiers: Orphanet 391397, MedGen C3809882, MONDO:0014244, OMIM 615548.
Familial episodic pain syndrome with predominantly lower limb involvement. Also called: Episodic pain syndrome, familial, 3. Identifiers: Orphanet 391384, Orphanet 391392, MedGen C3809899, MONDO:0014247, OMIM 615552.

Submission:

Labcorp Genetics (formerly Invitae), Labcorp
Classification: Uncertain significance for Familial episodic pain syndrome with predominantly lower limb involvement; Hereditary sensory and autonomic neuropathy type 7. Last evaluated: 2024-05-14. Review status: criteria provided, single submitter. Criteria: Invitae Variant Classification Sherloc (09022015). Collection method: clinical testing. Allele origin: germline.
Comment: This variant results in the deletion of part of exon 21 (c.3496-4_3505del) of the SCN11A gene. It is expected to disrupt RNA splicing. Variants that disrupt the donor or acceptor splice site typically lead to a loss of protein function (PMID: 16199547), however the current clinical and genetic evidence is not sufficient to establish whether loss-of-function variants in SCN11A cause disease. This variant is not present in population databases (gnomAD no frequency). This variant has not been reported in the literature in individuals affected with SCN11A-related conditions. In summary, the available evidence is currently insufficient to determine the role of this variant in disease. Therefore, it has been classified as a Variant of Uncertain Significance.

Literature cited by the submitters: PubMed 16199547.

NM_001349253.2(SCN11A):c.3496-4_3505del

Genes: SCN11A (sodium voltage-gated channel alpha subunit 11; minus strand), LOC126806652 (CDK7 strongly-dependent group 2 enhancer GRCh37_chr3:38912374-38913573; plus strand). Cytogenetic location: 3p22.2.
Variant type: Deletion.
Coding change: c.3496-4_3505del on transcript NM_001349253.2 (MANE Select); 4 bases into the intron before coding-DNA position 3496 through coding-DNA position 3505, 14 bases deleted (TAAGGTGGTGGTCA).
Molecular consequence: splice acceptor variant.
Genome position (GRCh38, 1-based): chr3:38,871,699-38,871,712, TGACCACCACCTTA deleted on the plus strand (TAAGGTGGTGGTCA on the coding strand, the reverse complement: SCN11A is on the minus strand); deleting any 14 consecutive bases within chr3:38,871,699-38,871,714 gives the same sequence; the c. name uses the placement nearest the transcript's 3' end. VCF-style (leftmost placement, unchanged base first): chr3-38871698-TTGACCACCACCTTA-T. GRCh37 (hg19) VCF-style: chr3-38913189-TTGACCACCACCTTA-T.
Other names: c.3496-4_3505del (NM_014139.3).
Identifiers: ClinVar variation 3756346 (VCV003756346.2).